The following is an entry in ClinVar:

NM_004329.3(BMPR1A):c.372T>C (p.Cys124=)

Gene: BMPR1A (bone morphogenetic protein receptor type 1A; plus strand). Cytogenetic location: 10q23.2.
Variant type: single nucleotide variant.
Coding change: c.372T>C on transcript NM_004329.3 (MANE Select); coding-DNA position 372, T replaced by C.
Protein change: p.Cys124=; no amino-acid change (cysteine 124 retained).
Molecular consequence: synonymous variant.
Genome position (GRCh38, 1-based): chr10:86,899,832, T>C. VCF-style: chr10-86899832-T-C. GRCh37 (hg19) VCF-style: chr10-88659589-T-C.
Identifiers: ClinVar variation 792778 (VCV000792778.16), dbSNP rs755028781, ClinGen allele CA5585497.

ClinVar aggregate classification (germline): Benign/Likely benign. Review status: criteria provided, multiple submitters, no conflicts (2 of 4 stars). 5 submissions from 5 submitters: Benign (1); Likely benign (4). Last evaluated 2025-07-31.

Conditions:
Hereditary cancer-predisposing syndrome. Also called: Neoplastic Syndromes, Hereditary; Hereditary neoplastic syndrome; Tumor predisposition; Hereditary Cancer Syndrome. Identifiers: Orphanet 140162, MedGen C0027672, MeSH D009386, MONDO:0015356.
Juvenile polyposis syndrome (JPS). Identifiers: Orphanet 2929, MedGen C0345893, MONDO:0017380, OMIM 174900.

Allele frequency attached by ClinVar (database versions not stated): gnomAD exomes below 0.00001 and 0.00001; ExAC 0.00002.
gnomAD v4.1: 2 of 1,614,204 alleles (0.00012%); highest among the groups gnomAD compares: Non-Finnish European, 0.00017%; no homozygotes.

Submissions (5):

Labcorp Genetics (formerly Invitae), Labcorp
Classification: Likely benign for Juvenile polyposis syndrome. Last evaluated: 2025-07-31. Review status: criteria provided, single submitter. Criteria: Invitae Variant Classification Sherloc (09022015). Collection method: clinical testing. Allele origin: germline.

Myriad Genetics, Inc.
Classification: Benign for Juvenile polyposis syndrome. Last evaluated: 2024-08-01. Review status: criteria provided, single submitter. Criteria: Myriad Autosomal Dominant, Autosomal Recessive and X-Linked Classification Criteria (2023). Collection method: clinical testing. Allele origin: unknown.
Comment: This variant is considered benign. This variant is a silent/synonymous amino acid change and it is not expected to impact splicing.

Quest Diagnostics Nichols Institute San Juan Capistrano
Classification: Likely benign. Last evaluated: 2020-01-21. Review status: criteria provided, single submitter. Criteria: Quest Diagnostics criteria. Collection method: clinical testing. Allele origin: unknown.

Color Diagnostics, LLC DBA Color Health
Classification: Likely benign for Hereditary cancer-predisposing syndrome. Last evaluated: 2019-06-04. Review status: criteria provided, single submitter. Criteria: ACMG Guidelines, 2015. Collection method: clinical testing. Allele origin: germline.

Ambry Genetics
Classification: Likely benign for Hereditary cancer-predisposing syndrome. Last evaluated: 2019-05-19. Review status: criteria provided, single submitter. Criteria: Ambry Variant Classification Scheme 2023. Collection method: clinical testing. Allele origin: germline.